The following is an entry in ClinVar:

NM_024675.4(PALB2):c.299T>G (p.Leu100Arg)

Gene: PALB2 (partner and localizer of BRCA2; minus strand). Cytogenetic location: 16p12.2.
Variant type: single nucleotide variant.
Coding change: c.299T>G on transcript NM_024675.4 (MANE Select); coding-DNA position 299, T replaced by G.
Protein change: p.Leu100Arg; replaces leucine 100 with arginine.
Molecular consequence: missense variant.
Genome position (GRCh38, 1-based): chr16:23,636,247, A>C on the plus strand (T>G on the coding strand, the complement: PALB2 is on the minus strand). VCF-style: chr16-23636247-A-C. GRCh37 (hg19) VCF-style: chr16-23647568-A-C.
Other names: short protein forms L100R.
Identifiers: ClinVar variation 662678 (VCV000662678.9), dbSNP rs1597099643, ClinGen allele CA395138804.
Genomic context (GRCh38, chr16:23,636,247, plus strand): 5'-CTTTGTATAGGTAATCCTCCTGGGCCATCTCCAGGGTTAAAGGACTCAGGCCCAACATCA[A>C]GTGTGATAGATGTCTTTTCTCCAGTTTCTTCATCAAGATGGGTTTTGATGTGTAACTTGT-3'
Protein context (NP_078951.2, residues 90-110): EETGEKTSIT[Leu100Arg]DVGPESFNPG

ClinVar aggregate classification (germline): Uncertain significance (1 of 4 stars; one submission).

Conditions:
Familial cancer of breast. Also called: BREAST CANCER, FAMILIAL; hereditary breast carcinoma; Hereditary breast cancer. Identifiers: Orphanet 227535, MedGen C0346153, MONDO:0016419, OMIM 114480. Disease mechanism: loss of function.

Submission:

Labcorp Genetics (formerly Invitae), Labcorp
Classification: Uncertain significance for Familial cancer of breast. Last evaluated: 2018-10-22. Review status: criteria provided, single submitter. Criteria: Invitae Variant Classification Sherloc (09022015). Collection method: clinical testing. Allele origin: germline.
Comment: In summary, the available evidence is currently insufficient to determine the role of this variant in disease. Therefore, it has been classified as a Variant of Uncertain Significance. Algorithms developed to predict the effect of missense changes on protein structure and function are either unavailable or do not agree on the potential impact of this missense change (SIFT: "Tolerated"; PolyPhen-2: "Possibly Damaging"; Align-GVGD: "Class C0"). This variant has not been reported in the literature in individuals with PALB2-related disease. This variant is not present in population databases (ExAC no frequency). This sequence change replaces leucine with arginine at codon 100 of the PALB2 protein (p.Leu100Arg). The leucine residue is moderately conserved and there is a moderate physicochemical difference between leucine and arginine.